The following is an entry in ClinVar:

NM_015466.4(PTPN23):c.165T>A (p.Ala55=)

Gene: PTPN23 (protein tyrosine phosphatase non-receptor type 23; plus strand). Cytogenetic location: 3p21.31.
Variant type: single nucleotide variant.
Coding change: c.165T>A on transcript NM_015466.4 (MANE Select); coding-DNA position 165, T replaced by A.
Protein change: p.Ala55=; no amino-acid change (alanine 55 retained).
Molecular consequence: synonymous variant. On other transcripts: intron variant (1).
Genome position (GRCh38, 1-based): chr3:47,404,657, T>A. VCF-style: chr3-47404657-T-A. GRCh37 (hg19) VCF-style: chr3-47446147-T-A.
Other names: c.-91-348T>A (NM_001304482.2).
Identifiers: ClinVar variation 2759399 (VCV002759399.4), dbSNP rs765405144, ClinGen allele CA2365237.

ClinVar aggregate classification (germline): Likely benign. Review status: criteria provided, multiple submitters, no conflicts (2 of 4 stars). 2 submissions from 2 submitters: Likely benign (2). Last evaluated 2025-02-20.

Allele frequency attached by ClinVar (database versions not stated): ExAC 0.00002.
gnomAD v4.1: 70 of 1,613,688 alleles (0.0043%); highest among the groups gnomAD compares: Non-Finnish European, 0.0059%; no homozygotes.

Submissions (2):

Labcorp Genetics (formerly Invitae), Labcorp
Classification: Likely benign. Last evaluated: 2025-02-20. Review status: criteria provided, single submitter. Criteria: Invitae Variant Classification Sherloc (09022015). Collection method: clinical testing. Allele origin: germline.

Women's Health and Genetics/Laboratory Corporation of America, LabCorp
Classification: Likely benign. Last evaluated: 2024-12-02. Review status: criteria provided, single submitter. Criteria: LabCorp Variant Classification Summary - May 2015. Collection method: clinical testing. Allele origin: germline.
Comment: Variant summary: PTPN23 c.165T>A alters a non-conserved nucleotide resulting in a synonymous change. Consensus agreement among computation tools predict no significant impact on normal splicing. However, these predictions have yet to be confirmed by functional studies. The variant allele was found at a frequency of 1.2e-05 in 251192 control chromosomes. The available data on variant occurrences in the general population are insufficient to allow any conclusion about variant significance. To our knowledge, no occurrence of c.165T>A in individuals affected with Neurodevelopmental Disorder And Structural Brain Anomalies With Or Without Seizures And Spasticity and no experimental evidence demonstrating its impact on protein function have been reported. ClinVar contains an entry for this variant (Variation ID: 2759399). Based on the evidence outlined above, the variant was classified as likely benign.